The following is an entry in ClinVar:

ClinVar aggregate classification (germline): Conflicting classifications of pathogenicity. Review status: criteria provided, conflicting classifications (1 of 4 stars). 5 submissions from 5 submitters: Uncertain significance (1); Benign (1); Likely benign (2). 1 of the submissions does not count toward it. Last evaluated 2025-12-24.

Conditions:
STAG1-related disorder. Also called: STAG1-related disorders.
Intellectual developmental disorder, autosomal dominant 47. Also called: Intellectual disability, autosomal dominant 47; MENTAL RETARDATION, AUTOSOMAL DOMINANT 47. Identifiers: Orphanet 502434, MedGen C4539951, MONDO:0030912, OMIM 617635.

Allele frequency attached by ClinVar (database versions not stated): gnomAD 0.00004 and 0.00003; gnomAD exomes 0.00008 and 0.00010; TOPMed 0.00005; ExAC 0.00007.

Submissions (5):

Labcorp Genetics (formerly Invitae), Labcorp
Classification: Benign. Last evaluated: 2025-12-24. Review status: criteria provided, single submitter. Criteria: Invitae Variant Classification Sherloc (09022015). Collection method: clinical testing. Allele origin: germline.

Laboratory of Genetics, Children's Clinical University Hospital Latvia
Classification: Likely benign. Last evaluated: 2025-02-16. Review status: criteria provided, single submitter. Criteria: ACMG Guidelines, 2015. Collection method: clinical testing. Allele origin: germline. Affected: yes.

CeGaT Center for Human Genetics Tuebingen
Classification: Likely benign. Last evaluated: 2024-11-01. Review status: criteria provided, single submitter. Criteria: CeGaT Center For Human Genetics Tuebingen Variant Classification Criteria Version 2. Collection method: clinical testing. Allele origin: germline. Affected: yes. Observed: 4 variant alleles.
Comment: STAG1: PP2, BS1

New York Genome Center
Classification: Uncertain significance for Intellectual developmental disorder, autosomal dominant 47. Last evaluated: 2020-05-01. Review status: criteria provided, single submitter. Criteria: NYGC Assertion Criteria 2020. Collection method: clinical testing. Allele origin: germline. Inheritance: Autosomal dominant inheritance. Observed: 1 heterozygote. Study: CSER-NYCKidSeq.

PreventionGenetics, part of Exact Sciences
Classification: Likely benign for STAG1-related condition. Last evaluated: 2023-04-04. Review status: no assertion criteria provided. Collection method: clinical testing. Allele origin: germline. Not counted in ClinVar's aggregate classification.
Comment: This variant is classified as likely benign based on ACMG/AMP sequence variant interpretation guidelines (Richards et al. 2015 PMID: 25741868, with internal and published modifications).

NM_005862.3(STAG1):c.3104T>C (p.Met1035Thr)

Gene: STAG1 (STAG1 cohesin complex component; minus strand). Cytogenetic location: 3q22.3.
Variant type: single nucleotide variant.
Coding change: c.3104T>C on transcript NM_005862.3 (MANE Select); coding-DNA position 3104, T replaced by C.
Protein change: p.Met1035Thr; replaces methionine 1035 with threonine.
Molecular consequence: missense variant.
Genome position (GRCh38, 1-based): chr3:136,349,325, A>G on the plus strand (T>C on the coding strand, the complement: STAG1 is on the minus strand). VCF-style: chr3-136349325-A-G. GRCh37 (hg19) VCF-style: chr3-136068167-A-G.
Other names: c.3104T>C (NM_005862.2); short protein forms M1035T.
Identifiers: ClinVar variation 996953 (VCV000996953.40), dbSNP rs199902670, ClinGen allele CA2632440.